The following is an entry in ClinVar:

ClinVar aggregate classification (germline): Likely benign. Review status: criteria provided, multiple submitters, no conflicts (2 of 4 stars). 3 submissions from 3 submitters: Likely benign (3). Last evaluated 2026-04-16.

Conditions:
Neuropathy, hereditary sensory and autonomic, type 2A (HSAN2A). Also called: WNK1-Related HSAN2 (HSAN2A); HSAN IIA; ACROOSTEOLYSIS, GIACCAI TYPE; ACROOSTEOLYSIS, NEUROGENIC; MORVAN DISEASE; NEUROPATHY, CONGENITAL SENSORY. Identifiers: Orphanet 970, MedGen C2752089, MONDO:0024309, OMIM 201300.
Pseudohypoaldosteronism type 2C (PHA2C). Also called: Pseudohypoaldosteronism Type IIC. Identifiers: Orphanet 757, Orphanet 88940, MedGen C1840391, MONDO:0013778, OMIM 614492.
WNK1-related disorder. Also called: WNK1-related condition.

Allele frequency attached by ClinVar (database versions not stated): ESP Exome Variant Server 0.00008; TOPMed 0.00020.
gnomAD v4.1: 48 of 1,612,686 alleles (0.003%); highest among the groups gnomAD compares: African/African-American, 0.06%; no homozygotes.

Submissions (3):

PreventionGenetics, part of Exact Sciences
Classification: Likely benign for WNK1-related condition. Last evaluated: 2026-04-16. Review status: criteria provided, single submitter. Criteria: ACMG Guidelines, 2015. Collection method: clinical testing. Allele origin: germline.
Comment: This variant is classified as likely benign based on ACMG/AMP sequence variant interpretation guidelines (Richards et al. 2015 PMID: 25741868, with internal and published modifications).

Labcorp Genetics (formerly Invitae), Labcorp
Classification: Likely benign for Neuropathy, hereditary sensory and autonomic, type 2A; Pseudohypoaldosteronism type 2C. Last evaluated: 2025-06-12. Review status: criteria provided, single submitter. Criteria: Invitae Variant Classification Sherloc (09022015). Collection method: clinical testing. Allele origin: germline.

Fulgent Genetics
Classification: Likely benign for Neuropathy, hereditary sensory and autonomic, type 2A; Pseudohypoaldosteronism type 2C. Last evaluated: 2021-12-30. Review status: criteria provided, single submitter. Criteria: ACMG Guidelines, 2015. Collection method: clinical testing. Allele origin: unknown.

NM_018979.4(WNK1):c.48G>T (p.Leu16=)

Gene: WNK1 (WNK lysine deficient protein kinase 1; plus strand). Cytogenetic location: 12p13.33.
Variant type: single nucleotide variant.
Coding change: c.48G>T on transcript NM_018979.4 (MANE Select); coding-DNA position 48, G replaced by T.
Protein change: p.Leu16=; no amino-acid change (leucine 16 retained).
Molecular consequence: synonymous variant.
Genome position (GRCh38, 1-based): chr12:753,613, G>T. VCF-style: chr12-753613-G-T. GRCh37 (hg19) VCF-style: chr12-862779-G-T.
Other names: c.48G>T, p.Leu16= (NM_001184985.2, NM_014823.3, NM_213655.5); c.48G>T (NM_018979.3).
Identifiers: ClinVar variation 1156271 (VCV001156271.11), dbSNP rs368453008, ClinGen allele CA6381706.
Genomic context (GRCh38, chr12:753,613, plus strand): 5'-CAGCGAACCGACCATGTCTGGCGGCGCCGCAGAGAAGCAGAGCAGCACTCCCGGTTCCCT[G>T]TTCCTCTCGCCGCCGGCTCCTGCCCCCAAGAATGGCTCCAGCTCCGATTCCTCCGTGGGG-3'
Protein context (NP_061852.3, residues 6-26): AEKQSSTPGS[Leu16=]FLSPPAPAPK